The following is an entry in ClinVar:

NM_000264.5(PTCH1):c.3550-3T>C

Gene: PTCH1 (patched 1; minus strand). Cytogenetic location: 9q22.32.
Variant type: single nucleotide variant.
Coding change: c.3550-3T>C on transcript NM_000264.5 (MANE Select); 3 bases into the intron before coding-DNA position 3550, T replaced by C.
Molecular consequence: intron variant.
Genome position (GRCh38, 1-based): chr9:95,449,326, A>G on the plus strand (T>C on the coding strand, the complement: PTCH1 is on the minus strand). VCF-style: chr9-95449326-A-G. GRCh37 (hg19) VCF-style: chr9-98211608-A-G.
Other names: c.3547-3T>C (NM_001083603.3); c.3352-3T>C (NM_001083602.3); c.3394-3T>C (NM_001354918.2); c.3097-3T>C (NM_001083605.3, NM_001083604.3, NM_001083606.3 and 1 more transcripts).
Identifiers: ClinVar variation 3784642 (VCV003784642.1).

ClinVar aggregate classification (germline): Uncertain significance (1 of 4 stars; one submission).

Conditions:
Hereditary cancer-predisposing syndrome. Also called: Neoplastic Syndromes, Hereditary; Hereditary Cancer Syndrome; Tumor predisposition; Hereditary neoplastic syndrome. Identifiers: Orphanet 140162, MedGen C0027672, MeSH D009386, MONDO:0015356.

gnomAD v4.1: 1 of 1,545,718 alleles (0.000065%); no homozygotes.

Submission:

Ambry Genetics
Classification: Uncertain significance for Hereditary cancer-predisposing syndrome. Last evaluated: 2025-02-06. Review status: criteria provided, single submitter. Criteria: Ambry Variant Classification Scheme 2023. Collection method: clinical testing. Allele origin: germline.
Comment: The c.3550-3T>C intronic variant results from a T to C substitution 3 nucleotides upstream from coding exon 22 in the PTCH1 gene. This nucleotide position is not well conserved in available vertebrate species. In silico splice site analysis predicts that this alteration will not have any significant effect on splicing. Based on the available evidence, the clinical significance of this variant remains unclear.